The following is an entry in ClinVar:

NM_000052.7(ATP7A):c.1829C>T (p.Pro610Leu)

Gene: ATP7A (ATPase copper transporting alpha; plus strand). Cytogenetic location: Xq21.1.
Variant type: single nucleotide variant.
Coding change: c.1829C>T on transcript NM_000052.7 (MANE Select); coding-DNA position 1829, C replaced by T.
Protein change: p.Pro610Leu; replaces proline 610 with leucine.
Molecular consequence: missense variant.
Genome position (GRCh38, 1-based): chrX:78,009,223, C>T. VCF-style: chrX-78009223-C-T. GRCh37 (hg19) VCF-style: chrX-77264720-C-T.
Other names: c.1829C>T, p.Pro610Leu (NM_001282224.2); c.1829C>T (NM_000052.4); short protein forms P610L.
Identifiers: ClinVar variation 1035568 (VCV001035568.7), dbSNP rs781872960, ClinGen allele CA10459116.

ClinVar aggregate classification (germline): Conflicting classifications of pathogenicity. Review status: criteria provided, conflicting classifications (1 of 4 stars). 2 submissions from 2 submitters: Uncertain significance (1); Likely benign (1). Last evaluated 2025-11-10.

Conditions:
Menkes kinky-hair syndrome (MNK). Also called: Copper transport disease; Classic Menkes Disease; Menkes Disease. Identifiers: Orphanet 565, MedGen C0022716, MONDO:0010651, OMIM 309400.
Cutis laxa, X-linked (OHS). Also called: EDS IX; Occipital horn syndrome. Identifiers: Orphanet 198, MedGen C0268353, MONDO:0010572, OMIM 304150.
X-linked distal spinal muscular atrophy type 3. Also called: SPINAL MUSCULAR ATROPHY, DISTAL, X-LINKED RECESSIVE; ATP7A-Related Distal Motor Neuropathy; NEURONOPATHY, DISTAL HEREDITARY MOTOR, X-LINKED; NEUROPATHY, DISTAL HEREDITARY MOTOR, X-LINKED. Identifiers: Orphanet 139557, MedGen C1845359, MONDO:0010338, OMIM 300489.

Allele frequency attached by ClinVar (database versions not stated): gnomAD exomes below 0.00001 and 0.00001; ExAC 0.00001; gnomAD 0.00001; TOPMed 0.00001.
gnomAD v4.1: 2 of 1,207,921 alleles (0.00017%); highest among the groups gnomAD compares: Admixed American, 0.0022%; no homozygotes.

Submissions (2):

Labcorp Genetics (formerly Invitae), Labcorp
Classification: Likely benign for X-linked distal spinal muscular atrophy type 3; Cutis laxa, X-linked; Menkes kinky-hair syndrome. Last evaluated: 2025-11-10. Review status: criteria provided, single submitter. Criteria: Invitae Variant Classification Sherloc (09022015). Collection method: clinical testing. Allele origin: germline.

GeneDx
Classification: Uncertain significance. Last evaluated: 2022-12-05. Review status: criteria provided, single submitter. Criteria: GeneDx Variant Classification Process June 2021. Collection method: clinical testing. Allele origin: germline. Affected: yes.
Comment: Has not been previously published as pathogenic or benign to our knowledge; Not observed at significant frequency in large population cohorts (gnomAD); In silico analysis supports that this missense variant has a deleterious effect on protein structure/function